The following is an entry in ClinVar:

ClinVar aggregate classification (germline): Likely benign. Review status: criteria provided, multiple submitters, no conflicts (2 of 4 stars). 4 submissions from 4 submitters: Likely benign (4). Last evaluated 2026-04-10.

Conditions:
DICER1-related tumor predisposition. Also called: DICER1 syndrome; DICER1-related pleuropulmonary blastoma cancer predisposition syndrome. Identifiers: Orphanet 284343, MedGen C3839822, MONDO:0100216.

gnomAD v4.1: 52 of 1,606,400 alleles (0.0032%); highest among the groups gnomAD compares: Middle Eastern, 0.082%; no homozygotes.

Submissions (4):

Myriad Genetics, Inc.
Classification: Likely benign for DICER1-related tumor predisposition. Last evaluated: 2026-04-10. Review status: criteria provided, single submitter. Criteria: Myriad Autosomal Dominant, Autosomal Recessive and X-Linked Classification Criteria (2023). Collection method: clinical testing. Allele origin: unknown.
Comment: This variant is considered likely benign. This variant is intronic and is not expected to impact mRNA splicing.

Labcorp Genetics (formerly Invitae), Labcorp
Classification: Likely benign for DICER1-related tumor predisposition. Last evaluated: 2025-11-18. Review status: criteria provided, single submitter. Criteria: Invitae Variant Classification Sherloc (09022015). Collection method: clinical testing. Allele origin: germline.

Center for Genomic Medicine, Rigshospitalet, Copenhagen University Hospital
Classification: Likely benign. Last evaluated: 2025-03-04. Review status: criteria provided, single submitter. Criteria: ACMG Guidelines, 2015. Collection method: clinical testing. Allele origin: germline.

Blueprint Genetics
Classification: Likely benign. Last evaluated: 2024-02-15. Review status: criteria provided, single submitter. Criteria: ACMG Guidelines, 2015. Collection method: clinical testing. Allele origin: germline.

NM_177438.3(DICER1):c.574-19G>A

Gene: DICER1 (dicer 1, ribonuclease III; minus strand). Cytogenetic location: 14q32.13.
Variant type: single nucleotide variant.
Coding change: c.574-19G>A on transcript NM_177438.3 (MANE Select); 19 bases into the intron before coding-DNA position 574, G replaced by A.
Molecular consequence: intron variant.
Genome position (GRCh38, 1-based): chr14:95,129,651, C>T on the plus strand (G>A on the coding strand, the complement: DICER1 is on the minus strand). VCF-style: chr14-95129651-C-T. GRCh37 (hg19) VCF-style: chr14-95595988-C-T.
Other names: c.574-19G>A (NM_001291628.2, NM_030621.4, NM_001271282.3 and 1 more transcripts).
Identifiers: ClinVar variation 1564568 (VCV001564568.12), dbSNP rs372965421, ClinGen allele CA7331622.